The following is an entry in ClinVar:

NM_002087.4(GRN):c.1226C>T (p.Thr409Met)

Gene: GRN (granulin precursor; plus strand). Cytogenetic location: 17q21.31.
Variant type: single nucleotide variant.
Coding change: c.1226C>T on transcript NM_002087.4 (MANE Select); coding-DNA position 1226, C replaced by T.
Protein change: p.Thr409Met; replaces threonine 409 with methionine.
Molecular consequence: missense variant.
Genome position (GRCh38, 1-based): chr17:44,352,061, C>T. VCF-style: chr17-44352061-C-T. GRCh37 (hg19) VCF-style: chr17-42429429-C-T.
Other names: c.1226C>T (NM_002087.2); short protein forms T409M.
Identifiers: ClinVar variation 864484 (VCV000864484.9), dbSNP rs373885474, ClinGen allele CA8602148.

ClinVar aggregate classification (germline): Uncertain significance. Review status: criteria provided, multiple submitters, no conflicts (2 of 4 stars). 2 submissions from 2 submitters: Uncertain significance (2). Last evaluated 2025-06-08.

Conditions:
GRN-related frontotemporal lobar degeneration with Tdp43 inclusions (FTD2). Also called: DEMENTIA, HEREDITARY DYSPHASIC DISINHIBITION; FRONTOTEMPORAL LOBAR DEGENERATION WITH UBIQUITIN-POSITIVE INCLUSIONS; FTLD-TDP, GRN-RELATED; FRONTOTEMPORAL DEMENTIA WITH TDP43 INCLUSIONS, GRN-RELATED; GRN Frontotemporal Dementia. Identifiers: Orphanet 100070, Orphanet 282, MedGen C1843792, MONDO:0011842, OMIM 607485. Disease mechanism: loss of function.
Neuronal ceroid lipofuscinosis 11. Also called: GRN-Related Neuronal Ceroid-Lipofuscinosis. Identifiers: Orphanet 314629, Orphanet 79262, MedGen C3539123, MONDO:0013866, OMIM 614706.

Allele frequency attached by ClinVar (database versions not stated): TOPMed 0.00003; gnomAD 0.00004 and 0.00005; ExAC 0.00007; gnomAD exomes 0.00007; ESP Exome Variant Server 0.00023.
gnomAD v4.1: 166 of 1,613,638 alleles (0.01%); highest among the groups gnomAD compares: East Asian, 0.06%; no homozygotes.

Submissions (2):

Labcorp Genetics (formerly Invitae), Labcorp
Classification: Uncertain significance for Neuronal ceroid lipofuscinosis 11; GRN-related frontotemporal lobar degeneration with Tdp43 inclusions. Last evaluated: 2025-06-08. Review status: criteria provided, single submitter. Criteria: Invitae Variant Classification Sherloc (09022015). Collection method: clinical testing. Allele origin: germline.
Comment: This sequence change replaces threonine, which is neutral and polar, with methionine, which is neutral and non-polar, at codon 409 of the GRN protein (p.Thr409Met). This variant is present in population databases (rs373885474, gnomAD 0.02%). This missense change has been observed in individual(s) with primary progressive aphasia (PMID: 23624518). ClinVar contains an entry for this variant (Variation ID: 864484). Invitae Evidence Modeling of protein sequence and biophysical properties (such as structural, functional, and spatial information, amino acid conservation, physicochemical variation, residue mobility, and thermodynamic stability) indicates that this missense variant is not expected to disrupt GRN protein function with a negative predictive value of 80%. In summary, the available evidence is currently insufficient to determine the role of this variant in disease. Therefore, it has been classified as a Variant of Uncertain Significance.

GeneDx
Classification: Uncertain significance. Last evaluated: 2025-04-07. Review status: criteria provided, single submitter. Criteria: GeneDx Variant Classification Process June 2021. Collection method: clinical testing. Allele origin: germline. Affected: yes.
Comment: In silico analysis indicates that this missense variant does not alter protein structure/function; Observed in an individual with primary progressive aphasia in published literature (PMID: 23624518); This variant is associated with the following publications: (PMID: 23624518)

Literature cited by the submitters: PubMed 23624518 (cited by Labcorp Genetics (formerly Invitae), Labcorp).